The following is an entry in ClinVar:

ClinVar aggregate classification (germline): Uncertain significance (1 of 4 stars; one submission).

Conditions:
Frontotemporal dementia and/or amyotrophic lateral sclerosis 4. Also called: FTDALS4. Identifiers: Orphanet 275872, MedGen C4225325, MONDO:0014641, OMIM 616439.

Allele frequency attached by ClinVar (database versions not stated): gnomAD exomes below 0.00001.

Submission:

Labcorp Genetics (formerly Invitae), Labcorp
Classification: Uncertain significance for Frontotemporal dementia and/or amyotrophic lateral sclerosis 4. Last evaluated: 2024-07-01. Review status: criteria provided, single submitter. Criteria: Invitae Variant Classification Sherloc (09022015). Collection method: clinical testing. Allele origin: germline.
Comment: This sequence change replaces histidine, which is basic and polar, with tyrosine, which is neutral and polar, at codon 538 of the TBK1 protein (p.His538Tyr). This variant is not present in population databases (gnomAD no frequency). This missense change has been observed in individual(s) with TBK1-related conditions (PMID: 28008748). ClinVar contains an entry for this variant (Variation ID: 2195297). Advanced modeling of protein sequence and biophysical properties (such as structural, functional, and spatial information, amino acid conservation, physicochemical variation, residue mobility, and thermodynamic stability) performed at Invitae indicates that this missense variant is not expected to disrupt TBK1 protein function with a negative predictive value of 95%. Experimental studies have shown that this missense change does not substantially affect TBK1 function (PMID: 28008748). In summary, the available evidence is currently insufficient to determine the role of this variant in disease. Therefore, it has been classified as a Variant of Uncertain Significance.

Literature cited by the submitters: PubMed 28008748.

NM_013254.4(TBK1):c.1612C>T (p.His538Tyr)

Gene: TBK1 (TANK binding kinase 1; plus strand). Cytogenetic location: 12q14.2.
Variant type: single nucleotide variant.
Coding change: c.1612C>T on transcript NM_013254.4 (MANE Select); coding-DNA position 1612, C replaced by T.
Protein change: p.His538Tyr; replaces histidine 538 with tyrosine.
Molecular consequence: missense variant.
Genome position (GRCh38, 1-based): chr12:64,495,573, C>T. VCF-style: chr12-64495573-C-T. GRCh37 (hg19) VCF-style: chr12-64889353-C-T.
Other names: short protein forms H538Y.
Identifiers: ClinVar variation 2195297 (VCV002195297.4), dbSNP rs775280350, ClinGen allele CA238275388.